The following is an entry in ClinVar:

ClinVar aggregate classification (germline): Uncertain significance (1 of 4 stars; one submission).

Allele frequency attached by ClinVar (database versions not stated): gnomAD exomes below 0.00001.
gnomAD v4.1: 1 of 1,613,960 alleles (0.000062%); highest among the groups gnomAD compares: Non-Finnish European, 0.000085%; no homozygotes.

Submission:

Labcorp Genetics (formerly Invitae), Labcorp
Classification: Uncertain significance. Last evaluated: 2022-10-17. Review status: criteria provided, single submitter. Criteria: Invitae Variant Classification Sherloc (09022015). Collection method: clinical testing. Allele origin: germline.
Comment: In summary, the available evidence is currently insufficient to determine the role of this variant in disease. Therefore, it has been classified as a Variant of Uncertain Significance. Advanced modeling of protein sequence and biophysical properties (such as structural, functional, and spatial information, amino acid conservation, physicochemical variation, residue mobility, and thermodynamic stability) performed at Invitae indicates that this missense variant is not expected to disrupt AK7 protein function. ClinVar contains an entry for this variant (Variation ID: 1359233). This variant has not been reported in the literature in individuals affected with AK7-related conditions. This variant is not present in population databases (gnomAD no frequency). This sequence change replaces lysine, which is basic and polar, with arginine, which is basic and polar, at codon 666 of the AK7 protein (p.Lys666Arg).

NM_152327.5(AK7):c.1997A>G (p.Lys666Arg)

Gene: AK7 (adenylate kinase 7; plus strand). Cytogenetic location: 14q32.2.
Variant type: single nucleotide variant.
Coding change: c.1997A>G on transcript NM_152327.5 (MANE Select); coding-DNA position 1997, A replaced by G.
Protein change: p.Lys666Arg; replaces lysine 666 with arginine.
Molecular consequence: missense variant.
Genome position (GRCh38, 1-based): chr14:96,486,920, A>G. VCF-style: chr14-96486920-A-G. GRCh37 (hg19) VCF-style: chr14-96953257-A-G.
Other names: c.1928A>G, p.Lys643Arg (NM_001350888.2, NM_001350890.2); c.1919A>G, p.Lys640Arg (NM_001350891.2); c.1799A>G, p.Lys600Arg (NM_001350892.2); short protein forms K600R, K666R, K640R, K643R.
Identifiers: ClinVar variation 1359233 (VCV001359233.8), dbSNP rs2140186899, ClinGen allele CA390925989.
Genomic context (GRCh38, chr14:96,486,920, plus strand): 5'-ACTACACATTTACTTTACCACCAAATATTCTATTTTAGAATAAACGACTGGAGGAAGTGA[A>G]AAGAGAAGAAAGAGAATTACTGGAGGCTCAGTCAATTCCCCTGAGAAACTATTTAATGAC-3'
Protein context (NP_689540.2, residues 656-676): EEWNKRLEEV[Lys666Arg]REERELLEAQ